The following is an entry in ClinVar:

NM_000443.4(ABCB4):c.1413C>A (p.Ile471=)

Gene: ABCB4 (ATP binding cassette subfamily B member 4; minus strand). Cytogenetic location: 7q21.12.
Variant type: single nucleotide variant.
Coding change: c.1413C>A on transcript NM_000443.4 (MANE Select); coding-DNA position 1413, C replaced by A.
Protein change: p.Ile471=; no amino-acid change (isoleucine 471 retained).
Molecular consequence: synonymous variant.
Genome position (GRCh38, 1-based): chr7:87,440,346, G>T on the plus strand (C>A on the coding strand, the complement: ABCB4 is on the minus strand). VCF-style: chr7-87440346-G-T. GRCh37 (hg19) VCF-style: chr7-87069662-G-T.
Other names: c.1413C>A, p.Ile471= (NM_018849.3, NM_018850.3).
Identifiers: ClinVar variation 4846504 (VCV004846504.1).

ClinVar aggregate classification (germline): Likely benign (1 of 4 stars; one submission).

Conditions:
Familial intrahepatic cholestasis. Identifiers: Orphanet 284385, MedGen CN296401, MONDO:0017290.
Low phospholipid associated cholelithiasis (GBD1). Also called: Gallbladder disease 1; Gallstone cholecystitis. Identifiers: Orphanet 69663, MedGen C2609268, MONDO:0010939, OMIM 600803.

Submission:

Genomenon, Inc
Classification: Likely benign for Familial intrahepatic cholestasis; Low phospholipid associated cholelithiasis. Last evaluated: 2026-04-14. Review status: criteria provided, single submitter. Criteria: Genomenon Sequence Variant Interpretation Standards - Updated. Collection method: curation. Allele origin: germline. Affected: no.
Comment: ABCB4 c.1413C>A is a synonymous variant that retains Isoleucine at residue 471. This variant has been reported in the published literature (PMID:30079523). It is absent or not present at a significant frequency in gnomAD. This synonymous variant is not predicted to impact splicing. In conclusion, we classify ABCB4 p.Ile471= (c.1413C>A) as a likely benign variant.

Literature cited by the submitters: PubMed 30079523.